The following is an entry in ClinVar:

NM_007294.4(BRCA1):c.2114del (p.Ala705fs)

Gene: BRCA1 (BRCA1 DNA repair associated; minus strand). Cytogenetic location: 17q21.31.
Variant type: Deletion.
Coding change: c.2114del on transcript NM_007294.4 (MANE Select); coding-DNA position 2114, one base deleted (C; older notation c.2114delC).
Protein change: p.Ala705fs; shifts the reading frame from alanine 705.
Molecular consequence: frameshift variant. On other transcripts: intron variant (137).
Genome position (GRCh38, 1-based): chr17:43,093,417, G deleted on the plus strand (C on the coding strand, the reverse complement: BRCA1 is on the minus strand). VCF-style (leftmost placement, unchanged base first): chr17-43093416-TG-T. GRCh37 (hg19) VCF-style: chr17-41245433-TG-T.
Other names: c.406+1327del (NM_001408510.1); c.643+1327del (NM_001408470.1, NM_001408464.1, NM_001408468.1 and 3 more transcripts); c.646+1327del (NM_001408469.1, NM_001408453.1, NM_001408461.1 and 11 more transcripts); c.784+1327del (NM_001408397.1, NM_001408401.1, NM_001408396.1 and 13 more transcripts); c.664+1327del (NM_001408436.1, NM_001408444.1, NM_001408438.1 and 12 more transcripts); c.787+1327del (NM_001407980.1, NM_001407993.1, NM_001407976.1 and 17 more transcripts); c.652+1327del (NM_001408451.1); c.523+1327del (NM_001408498.1, NM_001408501.1, NM_001408500.1 and 3 more transcripts); and 41 more; short protein forms A409fs, A537fs, A577fs, A578fs, A593fs, A594fs, A616fs, A617fs.
Identifiers: ClinVar variation 4294272 (VCV004294272.1).
Genomic context (GRCh38, chr17:43,093,416, plus strand): 5'-GCTAGGATTGACAAATTCTTTAAGTTCACTGGTATTTGAACACTTAGTAAAAGAACCAGG[TG>T]CATTTGTTAACTTCAGCTCTGGGAAAGTATCGCTGTCATGTCTTTTACTTGTCTGTTCAT-3'

ClinVar aggregate classification (germline): Pathogenic (1 of 4 stars; one submission).

Conditions:
Breast-ovarian cancer, familial, susceptibility to, 1 (BROVCA1). Also called: BRCA1 Hereditary Breast and Ovarian Cancer; OVARIAN CANCER, SUSCEPTIBILITY TO. Identifiers: Orphanet 145, MedGen C2676676, MONDO:0011450, OMIM 604370. Disease mechanism: loss of function.

Submission:

Myriad Genetics, Inc.
Classification: Pathogenic for Breast-ovarian cancer, familial, susceptibility to, 1. Last evaluated: 2025-09-16. Review status: criteria provided, single submitter. Criteria: Myriad Autosomal Dominant, Autosomal Recessive and X-Linked Classification Criteria (2023). Collection method: clinical testing. Allele origin: unknown.
Comment: This variant is considered pathogenic. This variant creates a frameshift predicted to result in premature protein truncation.